The following is an entry in ClinVar:

ClinVar aggregate classification (germline): Uncertain significance (1 of 4 stars; one submission).

Conditions:
Papillary renal cell carcinoma type 1 (RCCP1). Also called: RENAL CELL CARCINOMA, PAPILLARY, 1, SOMATIC; Renal adenocarcinoma; Renal cell carcinoma 1; Renal cell carcinoma, somatic. Identifiers: Orphanet 47044, MedGen C1336839, OMIM 605074, HP:0011797.

Submission:

Neuberg Centre For Genomic Medicine, NCGM
Classification: Uncertain significance for Papillary renal cell carcinoma type 1. Review status: criteria provided, single submitter. Criteria: ACMG Guidelines, 2015. Collection method: clinical testing. Allele origin: germline. Inheritance: Autosomal dominant inheritance. Affected: yes.
Comment: The splice site c.2941+1G>T variant has not been reported previously as a pathogenic variant nor as a benign variant, to our knowledge. The variant is novel (not in any individuals) in 1000 Genomes and in gnomAD. The nucleotide change in MET is predicted as conserved by GERP++ and PhyloP across 100 vertebrates. Since the above variant affects an invariable splice nucleotide it is expected to cause protein truncation. MET germline variants have not been reported previously in breast cancer. Somatic overexpression of MET proto-oncogene has been observed in breast cancer. Hence the above variant has been classified as Uncertain Significance

NM_000245.4(MET):c.2887+1G>T

Gene: MET (MET proto-oncogene, receptor tyrosine kinase; plus strand). Cytogenetic location: 7q31.2.
Variant type: single nucleotide variant.
Coding change: c.2887+1G>T on transcript NM_000245.4 (MANE Select); the canonical splice donor site of the intron after coding-DNA position 2887, G replaced by T.
Molecular consequence: splice donor variant.
Genome position (GRCh38, 1-based): chr7:116,771,655, G>T. VCF-style: chr7-116771655-G-T. GRCh37 (hg19) VCF-style: chr7-116411709-G-T.
Other names: c.2941+1G>T (NM_001127500.3); c.1597+1G>T (NM_001324402.2).
Identifiers: ClinVar variation 2585192 (VCV002585192.1), dbSNP rs2116993301, ClinGen allele CA368986839.
Genomic context (GRCh38, chr7:116,771,655, plus strand): 5'-CAGCACTGTTATTACTACTTGGGTTTTTCCTGTGGCTGAAAAAGAGAAAGCAAATTAAAG[G>T]TGCATTTTTGTTACTGTTCATTTTTAGAAGTTACCTTAAGAACACAGTCATTACAGTTTA-3'